The following is an entry in ClinVar:

ClinVar aggregate classification (germline): Uncertain significance (1 of 4 stars; one submission).

Allele frequency attached by ClinVar (database versions not stated): gnomAD exomes below 0.00001.
gnomAD v4.1: 3 of 1,614,082 alleles (0.00019%); highest among the groups gnomAD compares: South Asian, 0.0022%; no homozygotes.

Submission:

Labcorp Genetics (formerly Invitae), Labcorp
Classification: Uncertain significance. Last evaluated: 2023-04-20. Review status: criteria provided, single submitter. Criteria: Invitae Variant Classification Sherloc (09022015). Collection method: clinical testing. Allele origin: germline.
Comment: In summary, the available evidence is currently insufficient to determine the role of this variant in disease. Therefore, it has been classified as a Variant of Uncertain Significance. Advanced modeling of protein sequence and biophysical properties (such as structural, functional, and spatial information, amino acid conservation, physicochemical variation, residue mobility, and thermodynamic stability) performed at Invitae indicates that this missense variant is not expected to disrupt AK7 protein function. This variant has not been reported in the literature in individuals affected with AK7-related conditions. This variant is not present in population databases (gnomAD no frequency). This sequence change replaces valine, which is neutral and non-polar, with methionine, which is neutral and non-polar, at codon 434 of the AK7 protein (p.Val434Met).

NM_152327.5(AK7):c.1300G>A (p.Val434Met)

Gene: AK7 (adenylate kinase 7; plus strand). Cytogenetic location: 14q32.2.
Variant type: single nucleotide variant.
Coding change: c.1300G>A on transcript NM_152327.5 (MANE Select); coding-DNA position 1300, G replaced by A.
Protein change: p.Val434Met; replaces valine 434 with methionine.
Molecular consequence: missense variant.
Genome position (GRCh38, 1-based): chr14:96,458,155, G>A. VCF-style: chr14-96458155-G-A. GRCh37 (hg19) VCF-style: chr14-96924492-G-A.
Other names: c.1300G>A, p.Val434Met (NM_001350888.2, NM_001350890.2, NM_001350892.2); c.1222G>A, p.Val408Met (NM_001350891.2); short protein forms V434M, V408M.
Identifiers: ClinVar variation 2978822 (VCV002978822.3), dbSNP rs2504554164, ClinGen allele CA390916918.